The following is an entry in ClinVar:

ClinVar aggregate classification (germline): Uncertain significance. Review status: criteria provided, multiple submitters, no conflicts (2 of 4 stars). 4 submissions from 4 submitters: Uncertain significance (3). 1 of the submissions does not count toward it. Last evaluated 2025-03-01.

Conditions:
Inborn genetic diseases. Identifiers: MedGen C0950123, MeSH D030342.

Allele frequency attached by ClinVar (database versions not stated): gnomAD 0.00009; TOPMed 0.00006; ExAC 0.00007; ESP Exome Variant Server 0.00015; 1000 Genomes Project 30x 0.00031; gnomAD exomes 0.00004; 1000 Genomes Project 0.00020.
gnomAD v4.1: 69 of 1,614,058 alleles (0.0043%); highest among the groups gnomAD compares: African/African-American, 0.016%; no homozygotes.

Submissions (4):

Labcorp Genetics (formerly Invitae), Labcorp
Classification: Uncertain significance. Last evaluated: 2025-03-01. Review status: criteria provided, single submitter. Criteria: Invitae Variant Classification Sherloc (09022015). Collection method: clinical testing. Allele origin: germline.
Comment: This sequence change replaces threonine, which is neutral and polar, with methionine, which is neutral and non-polar, at codon 31 of the ETV6 protein (p.Thr31Met). This variant is present in population databases (rs149994836, gnomAD 0.02%). This variant has not been reported in the literature in individuals affected with ETV6-related conditions. ClinVar contains an entry for this variant (Variation ID: 1320525). Invitae Evidence Modeling of protein sequence and biophysical properties (such as structural, functional, and spatial information, amino acid conservation, physicochemical variation, residue mobility, and thermodynamic stability) indicates that this missense variant is not expected to disrupt ETV6 protein function with a negative predictive value of 80%. In summary, the available evidence is currently insufficient to determine the role of this variant in disease. Therefore, it has been classified as a Variant of Uncertain Significance.

Ambry Genetics
Classification: Uncertain significance for Inborn genetic diseases. Last evaluated: 2025-01-07. Review status: criteria provided, single submitter. Criteria: Ambry Variant Classification Scheme 2023. Collection method: clinical testing. Allele origin: germline.
Comment: The p.T31M variant (also known as c.92C>T), located in coding exon 2 of the ETV6 gene, results from a C to T substitution at nucleotide position 92. The threonine at codon 31 is replaced by methionine, an amino acid with similar properties. This amino acid position is well conserved in available vertebrate species. In addition, this alteration is predicted to be tolerated by in silico analysis. Based on the available evidence, the clinical significance of this variant remains unclear.

GeneDx
Classification: Uncertain significance. Last evaluated: 2024-06-17. Review status: criteria provided, single submitter. Criteria: GeneDx Variant Classification Process June 2021. Collection method: clinical testing. Allele origin: germline. Affected: yes.
Comment: Has not been previously published as pathogenic or benign to our knowledge; In silico analysis indicates that this missense variant does not alter protein structure/function; This variant is associated with the following publications: (PMID: 26522332)

Genetic Services Laboratory, University of Chicago
Classification: Uncertain significance. Last evaluated: 2022-07-28. Review status: no assertion criteria provided. Collection method: clinical testing. Allele origin: germline. Affected: no. Not counted in ClinVar's aggregate classification.
Comment: DNA sequence analysis of the ETV6 gene demonstrated a sequence change, c.92C>T, in exon 2 that results in an amino acid change, p.Thr31Met. This sequence change does not appear to have been previously described in individuals with ETV6-related disorders. This sequence change has been described in the gnomAD database with a frequency of 0.028% in the African subpopulation (dbSNP rs149994836). The p.Thr31Met change affects a moderately conserved amino acid residue located in a domain of the ETV6 protein that is known to be functional. In-silico pathogenicity prediction tools (SIFT, PolyPhen2, Align GVGD, REVEL) provide contradictory results for the p.Thr31Met substitution. Due to insufficient evidences and the lack of functional studies, the clinical significance of the p.Thr31Met change remains unknown at this time. Germline pathogenic variants in ETV6 are associated with thrombocytopenia, red cell macrocytosis and predisposition to hematological malignancies (PMIDs: 25807284, 25581430, 26102509, 28040720).

NM_001987.5(ETV6):c.92C>T (p.Thr31Met)

Gene: ETV6 (ETS variant transcription factor 6; plus strand). Cytogenetic location: 12p13.2.
Variant type: single nucleotide variant.
Coding change: c.92C>T on transcript NM_001987.5 (MANE Select); coding-DNA position 92, C replaced by T.
Protein change: p.Thr31Met; replaces threonine 31 with methionine.
Molecular consequence: missense variant.
Genome position (GRCh38, 1-based): chr12:11,752,508, C>T. VCF-style: chr12-11752508-C-T. GRCh37 (hg19) VCF-style: chr12-11905442-C-T.
Other names: short protein forms T31M.
Identifiers: ClinVar variation 1320525 (VCV001320525.9), dbSNP rs149994836, ClinGen allele CA6454111.